The following is an entry in ClinVar:

NM_144670.6(A2ML1):c.361G>A (p.Gly121Ser)

Genes: A2ML1-AS1 (A2ML1 antisense RNA 1; minus strand), A2ML1 (alpha-2-macroglobulin like 1; plus strand). Cytogenetic location: 12p13.31.
Variant type: single nucleotide variant.
Coding change: c.361G>A on transcript NM_144670.6 (MANE Select); coding-DNA position 361, G replaced by A.
Protein change: p.Gly121Ser; replaces glycine 121 with serine.
Molecular consequence: missense variant.
Genome position (GRCh38, 1-based): chr12:8,823,834, G>A. VCF-style: chr12-8823834-G-A. GRCh37 (hg19) VCF-style: chr12-8976430-G-A.
Other names: c.361G>A (NM_144670.3); short protein forms G121S.
Identifiers: ClinVar variation 959713 (VCV000959713.11), dbSNP rs768048394, ClinGen allele CA6435246.

ClinVar aggregate classification (germline): Uncertain significance. Review status: criteria provided, multiple submitters, no conflicts (2 of 4 stars). 2 submissions from 2 submitters: Uncertain significance (2). Last evaluated 2024-08-11.

Allele frequency attached by ClinVar (database versions not stated): ExAC 0.00001; gnomAD exomes 0.00001.
gnomAD v4.1: 17 of 1,613,990 alleles (0.0011%); highest among the groups gnomAD compares: Middle Eastern, 0.017%; no homozygotes.

Submissions (2):

Ambry Genetics
Classification: Uncertain significance. Last evaluated: 2024-08-11. Review status: criteria provided, single submitter. Criteria: Ambry Variant Classification Scheme 2023. Collection method: clinical testing. Allele origin: germline.
Comment: The p.G121S variant (also known as c.361G>A), located in coding exon 3 of the A2ML1 gene, results from a G to A substitution at nucleotide position 361. The glycine at codon 121 is replaced by serine, an amino acid with similar properties. This amino acid position is conserved. In addition, this alteration is predicted to be tolerated by in silico analysis. Based on the available evidence, the clinical significance of this variant remains unclear.

Labcorp Genetics (formerly Invitae), Labcorp
Classification: Uncertain significance. Last evaluated: 2023-05-05. Review status: criteria provided, single submitter. Criteria: Invitae Variant Classification Sherloc (09022015). Collection method: clinical testing. Allele origin: germline.
Comment: In summary, the available evidence is currently insufficient to determine the role of this variant in disease. Therefore, it has been classified as a Variant of Uncertain Significance. An algorithm developed to predict the effect of missense changes on protein structure and function (PolyPhen-2) suggests that this variant is likely to be tolerated. ClinVar contains an entry for this variant (Variation ID: 959713). This variant has not been reported in the literature in individuals affected with A2ML1-related conditions. This variant is present in population databases (rs768048394, gnomAD 0.006%). This sequence change replaces glycine, which is neutral and non-polar, with serine, which is neutral and polar, at codon 121 of the A2ML1 protein (p.Gly121Ser).